The following is an entry in ClinVar:

ClinVar aggregate classification (germline): Uncertain significance. Review status: criteria provided, multiple submitters, no conflicts (2 of 4 stars). 2 submissions from 2 submitters: Uncertain significance (2). Last evaluated 2025-02-13.

Allele frequency attached by ClinVar (database versions not stated): ExAC 0.00001; gnomAD 0.00001; gnomAD exomes below 0.00001.
gnomAD v4.1: 3 of 1,614,024 alleles (0.00019%); highest among the groups gnomAD compares: African/African-American, 0.0013%; no homozygotes.

Submissions (2):

Ambry Genetics
Classification: Uncertain significance. Last evaluated: 2025-02-13. Review status: criteria provided, single submitter. Criteria: Ambry Variant Classification Scheme 2023. Collection method: clinical testing. Allele origin: germline.

Labcorp Genetics (formerly Invitae), Labcorp
Classification: Uncertain significance. Last evaluated: 2021-04-13. Review status: criteria provided, single submitter. Criteria: Invitae Variant Classification Sherloc (09022015). Collection method: clinical testing. Allele origin: germline.
Comment: In summary, the available evidence is currently insufficient to determine the role of this variant in disease. Therefore, it has been classified as a Variant of Uncertain Significance. Algorithms developed to predict the effect of missense changes on protein structure and function output the following: SIFT: "Not Available"; PolyPhen-2: "Benign"; Align-GVGD: "Not Available". The asparagine amino acid residue is found in multiple mammalian species, suggesting that this missense change does not adversely affect protein function. These predictions have not been confirmed by published functional studies and their clinical significance is uncertain. This variant has not been reported in the literature in individuals with CEP250-related conditions. This variant is present in population databases (rs761999604, ExAC 0.01%). This sequence change replaces serine with asparagine at codon 264 of the CEP250 protein (p.Ser264Asn). The serine residue is moderately conserved and there is a small physicochemical difference between serine and asparagine.

NM_007186.6(CEP250):c.791G>A (p.Ser264Asn)

Gene: CEP250 (centrosomal protein 250; plus strand). Cytogenetic location: 20q11.22.
Variant type: single nucleotide variant.
Coding change: c.791G>A on transcript NM_007186.6 (MANE Select); coding-DNA position 791, G replaced by A.
Protein change: p.Ser264Asn; replaces serine 264 with asparagine.
Molecular consequence: missense variant. On other transcripts: 5 prime UTR variant (1).
Genome position (GRCh38, 1-based): chr20:35,467,495, G>A. VCF-style: chr20-35467495-G-A. GRCh37 (hg19) VCF-style: chr20-34055320-G-A.
Other names: c.-1109G>A (NM_001318219.1); c.791G>A (NM_007186.3); short protein forms S264N.
Identifiers: ClinVar variation 1521786 (VCV001521786.7), dbSNP rs761999604, ClinGen allele CA9832703.
Genomic context (GRCh38, chr20:35,467,495, plus strand): 5'-CCCAGCTGCTGCTGCTACTAGCCAAGACCCAGGAGCTGGAGAAGGAAGCCCATGAAAGGA[G>A]CCAGGAGTTAATACAGCTGAAGAGTCAAGGGGATCTGGAGAAGGCTGAACTTCAGGACCG-3'
Protein context (NP_009117.2, residues 254-274): QELEKEAHER[Ser264Asn]QELIQLKSQG